The following is an entry in ClinVar:

ClinVar aggregate classification (germline): Likely benign (1 of 4 stars; one submission).

gnomAD v4.1: 4 of 1,587,110 alleles (0.00025%); highest among the groups gnomAD compares: East Asian, 0.0023%; no homozygotes.

Submission:

CeGaT Center for Human Genetics Tuebingen
Classification: Likely benign. Last evaluated: 2026-04-01. Review status: criteria provided, single submitter. Criteria: CeGaT Center For Human Genetics Tuebingen Variant Classification Criteria Version 2. Collection method: clinical testing. Allele origin: germline. Affected: yes. Observed: 1 variant allele.
Comment: DCHS1: BP4, BP7

NM_003737.4(DCHS1):c.8742C>T (p.Ala2914=)

Gene: DCHS1 (dachsous cadherin-related 1; minus strand). Cytogenetic location: 11p15.4.
Variant type: single nucleotide variant.
Coding change: c.8742C>T on transcript NM_003737.4 (MANE Select); coding-DNA position 8742, C replaced by T.
Protein change: p.Ala2914=; no amino-acid change (alanine 2914 retained).
Molecular consequence: synonymous variant.
Genome position (GRCh38, 1-based): chr11:6,622,934, G>A on the plus strand (C>T on the coding strand, the complement: DCHS1 is on the minus strand). VCF-style: chr11-6622934-G-A. GRCh37 (hg19) VCF-style: chr11-6644165-G-A.
Identifiers: ClinVar variation 4874734 (VCV004874734.2).
Genomic context (GRCh38, chr11:6,622,934, plus strand): 5'-GTTGAGGTCAGGTGCCAGGCCCAGTGCGGTGTGGGTGATATCCACGGTCACAGGCACTGT[G>A]GCACTCCGGGAACCAGGCAGAGGCCCCCGTGCTATCACCTCCAGCCTCAGCTCCCGTGGT-3'
Protein context (NP_003728.1, residues 2904-2924): ARGPLPGSRS[Ala2914=]TVPVTVDITH